The following is an entry in ClinVar:

ClinVar aggregate classification (germline): Conflicting classifications of pathogenicity. Review status: criteria provided, conflicting classifications (1 of 4 stars). 3 submissions from 3 submitters: Likely pathogenic (2); Uncertain significance (1). Last evaluated 2025-08-21.

Conditions:
Generalized epilepsy with febrile seizures plus, type 2 (GEFSP2). Also called: GEFS+, TYPE 2. Identifiers: Orphanet 36387, MedGen C1858673, MONDO:0011461, OMIM 604403.
Early-infantile DEE. Also called: Early infantile epileptic encephalopathy with suppression bursts; Early infantile epileptic encephalopathy; Ohtahara syndrome. Identifiers: Orphanet 1934, MedGen C0393706, MONDO:0800491.
SCN1A-related disorder. Also called: SCN1A-related conditions; SCN1A-related condition; SCN1A-related disorders.

Submissions (3):

Labcorp Genetics (formerly Invitae), Labcorp
Classification: Likely pathogenic for Early-infantile DEE. Last evaluated: 2025-08-21. Review status: criteria provided, single submitter. Criteria: Invitae Variant Classification Sherloc (09022015). Collection method: clinical testing. Allele origin: germline.
Comment: This sequence change replaces lysine, which is basic and polar, with glutamine, which is neutral and polar, at codon 1505 of the SCN1A protein (p.Lys1505Gln). This variant is not present in population databases (gnomAD no frequency). This missense change has been observed in individual(s) with autosomal recessive SCN1A-related conditions (PMID: 34917021). It has also been observed to segregate with disease in related individuals. This variant has been reported in individual(s) with autosomal dominant SCN1A-related conditions (internal data); however, the role of the variant in this condition is currently unclear. ClinVar contains an entry for this variant (Variation ID: 1996243). Invitae Evidence Modeling of protein sequence and biophysical properties (such as structural, functional, and spatial information, amino acid conservation, physicochemical variation, residue mobility, and thermodynamic stability) indicates that this missense variant is expected to disrupt SCN1A protein function with a positive predictive value of 95%. In summary, the currently available evidence indicates that the variant is pathogenic, but additional data are needed to prove that conclusively. Therefore, this variant has been classified as Likely Pathogenic.

Blueprint Genetics
Classification: Likely pathogenic for SCN1A-related disorders. Last evaluated: 2024-09-05. Review status: criteria provided, single submitter. Criteria: ACMG Guidelines, 2015. Collection method: clinical testing. Allele origin: germline. Affected: yes. Observed: 1 variant allele.

3billion
Classification: Uncertain significance for Generalized epilepsy with febrile seizures plus, type 2. Last evaluated: 2024-01-25. Review status: criteria provided, single submitter. Criteria: ACMG Guidelines, 2015. Collection method: clinical testing. Allele origin: germline. Affected: yes.
Comment: The variant is not observed in the gnomAD v2.1.1 dataset. Predicted Consequence/Location: Missense variant In silico tool predictions suggest damaging effect of the variant on gene or gene product [REVEL: 0.84 (>=0.6, sensitivity 0.68 and specificity 0.92); 3Cnet: 0.91 (>=0.6, sensitivity 0.72 and precision 0.9)]. The variant has been reported to be in trans with a pathogenic variant as either compound heterozygous or homozygous in at least one similarly affected unrelated individual (PMID: 34917021). The variant has been reported to co-segregate with the disease in at least 3 similarly affected relatives/individuals in the same family or similarly affected unrelated families (PMID: 34917021). Therefore, this variant is classified as VUS according to the recommendation of ACMG/AMP guideline.

Literature cited by the submitters: PubMed 34917021 (cited by Labcorp Genetics (formerly Invitae), Labcorp and 3billion).

NM_001165963.4(SCN1A):c.4513A>C (p.Lys1505Gln)

Genes: SCN1A (sodium voltage-gated channel alpha subunit 1; minus strand), LOC102724058 (uncharacterized LOC102724058; plus strand). Cytogenetic location: 2q24.3.
Variant type: single nucleotide variant.
Coding change: c.4513A>C on transcript NM_001165963.4 (MANE Select); coding-DNA position 4513, A replaced by C.
Protein change: p.Lys1505Gln; replaces lysine 1505 with glutamine.
Molecular consequence: missense variant. On other transcripts: non-coding transcript variant (1).
Genome position (GRCh38, 1-based): chr2:165,996,081, T>G on the plus strand (A>C on the coding strand, the complement: SCN1A is on the minus strand). VCF-style: chr2-165996081-T-G. GRCh37 (hg19) VCF-style: chr2-166852591-T-G.
Other names: c.4429A>C, p.Lys1477Gln (NM_001165964.3, NM_001353957.2, NM_001353958.2); c.4513A>C, p.Lys1505Gln (NM_001202435.3, NM_001353948.2); c.4480A>C, p.Lys1494Gln (NM_001353949.2, NM_001353950.2, NM_001353951.2 and 2 more transcripts); c.4477A>C, p.Lys1493Gln (NM_001353954.2, NM_001353955.2); c.4426A>C, p.Lys1476Gln (NM_001353960.2); c.2071A>C, p.Lys691Gln (NM_001353961.2); short protein forms K1494Q, K1477Q, K1505Q, K1476Q, K1493Q, K691Q.
Identifiers: ClinVar variation 1996243 (VCV001996243.6), dbSNP rs1553521524, ClinGen allele CA349048771.